The following is an entry in ClinVar:

ClinVar aggregate classification (germline): Uncertain significance. Review status: criteria provided, multiple submitters, no conflicts (2 of 4 stars). 5 submissions from 5 submitters: Uncertain significance (4). 1 of the submissions does not count toward it. Last evaluated 2025-09-04.

Conditions:
Hereditary cancer-predisposing syndrome. Also called: Neoplastic Syndromes, Hereditary; Hereditary neoplastic syndrome; Tumor predisposition; Hereditary Cancer Syndrome. Identifiers: Orphanet 140162, MedGen C0027672, MeSH D009386, MONDO:0015356.
Hereditary breast ovarian cancer syndrome. Also called: Hereditary breast and ovarian cancer syndrome (HBOC); BRCA1- and BRCA2-Associated Hereditary Breast and Ovarian Cancer; Hereditary breast and/or ovarian cancer syndrome; Hereditary breast and ovarian cancer syndrome; Hereditary breast and ovarian cancer; Breast and ovarian cancer. Identifiers: Orphanet 145, MedGen C0677776, MeSH D061325, MONDO:0003582. Disease mechanism: loss of function.
Breast-ovarian cancer, familial, susceptibility to, 1 (BROVCA1). Also called: BRCA1 Hereditary Breast and Ovarian Cancer; OVARIAN CANCER, SUSCEPTIBILITY TO. Identifiers: Orphanet 145, MedGen C2676676, MONDO:0011450, OMIM 604370. Disease mechanism: loss of function.

Allele frequency attached by ClinVar (database versions not stated): gnomAD exomes below 0.00001.
gnomAD v4.1: 2 of 1,613,858 alleles (0.00012%); highest among the groups gnomAD compares: Non-Finnish European, 0.00017%; no homozygotes.

Submissions (6):

Color Diagnostics, LLC DBA Color Health
Classification: Uncertain significance for Hereditary cancer-predisposing syndrome. Last evaluated: 2025-09-04. Review status: criteria provided, single submitter. Criteria: ACMG Guidelines, 2015. Collection method: clinical testing. Allele origin: germline.
Comment: This missense variant replaces valine with leucine at codon 11 of the BRCA1 protein. Computational prediction is inconclusive regarding the impact of this variant on protein structure and function. Functional studies have reported that this variant has an intermediate impact on BRCA1 in a haploid cell proliferation assay and inconclusive results in homology-directed DNA repair and ubiquitin E3 ligase assays and in a mammalian two-hybrid assay to measure BARD1 interaction (PMID: 25823446, 30209399, 35659930). This variant has been reported in pancreatic cancer, male breast cancer and prostate cancer case-control studies where it was absent in 53 male breast cancer cases, 7636 prostate cancer cases and 1005 pancreatic cancer cases, and it was found in one unaffected control individuals (PMID: 30287823, 31214711, 32980694). A different variant resulting in the same protein change, c.31G>T (p.Val11Leu), has been reported 5 women affected with breast cancer (PMID: 33278427). This variant has not been identified in the general population by the Genome Aggregation Database (gnomAD). The available evidence is insufficient to determine the role of this variant in disease conclusively. Therefore, this variant is classified as a Variant of Uncertain Significance.

Ambry Genetics
Classification: Uncertain significance for Hereditary cancer-predisposing syndrome. Last evaluated: 2024-06-03. Review status: criteria provided, single submitter. Criteria: Ambry Variant Classification Scheme 2023. Collection method: clinical testing. Allele origin: germline.
Comment: The p.V11L variant (also known as c.31G>C), located in coding exon 1 of the BRCA1 gene, results from a G to C substitution at nucleotide position 31. The valine at codon 11 is replaced by leucine, an amino acid with highly similar properties. This amino acid position is highly conserved in available vertebrate species. In addition, the in silico prediction for this alteration is inconclusive. Based on the available evidence, the clinical significance of this variant remains unclear.

Labcorp Genetics (formerly Invitae), Labcorp
Classification: Uncertain significance for Hereditary breast ovarian cancer syndrome. Last evaluated: 2022-07-08. Review status: criteria provided, single submitter. Criteria: Invitae Variant Classification Sherloc (09022015). Collection method: clinical testing. Allele origin: germline.
Comment: Advanced modeling of experimental studies (such as gene expression, population dynamics, functional pathways, and cell-cycle effects in cell culture) performed at Invitae indicates that this missense variant is expected to disrupt BRCA1 protein function. Experimental studies are conflicting or provide insufficient evidence to determine the effect of this variant on BRCA1 function (PMID: 30209399). In summary, the available evidence is currently insufficient to determine the role of this variant in disease. Therefore, it has been classified as a Variant of Uncertain Significance. This variant is not present in population databases (gnomAD no frequency). This sequence change replaces valine, which is neutral and non-polar, with leucine, which is neutral and non-polar, at codon 11 of the BRCA1 protein (p.Val11Leu). ClinVar contains an entry for this variant (Variation ID: 438922). This missense change has been observed in individual(s) with breast cancer (PMID: 33278427).

Quest Diagnostics Nichols Institute San Juan Capistrano
Classification: Uncertain significance. Last evaluated: 2017-06-01. Review status: criteria provided, single submitter. Criteria: Quest Diagnostics criteria. Collection method: clinical testing. Allele origin: germline.

BRCAlab, Lund University
Classification: Uncertain significance for Breast-ovarian cancer, familial, susceptibility to, 1. Last evaluated: 2020-03-02. Review status: no assertion criteria provided. Collection method: clinical testing. Allele origin: germline. Affected: yes. Not counted in ClinVar's aggregate classification.

Brotman Baty Institute, University of Washington
No classification provided (evidence only). Condition: Breast-ovarian cancer, familial 1. Review status: no classification provided. Collection method: in vitro. Allele origin: not applicable. Functional consequence: function_uncertain_variant. Not counted in ClinVar's aggregate classification.
ClinVar note: "not provided" was previously submitted as the classification for the variant. However, the classification appeared to be based only on an observation of functional data so it was converted to no classification on 2025-07-30.

Literature cited by the submitters: PubMed 25823446 (cited by Color Diagnostics, LLC DBA Color Health); PubMed 30209399 (cited by Color Diagnostics, LLC DBA Color Health and Labcorp Genetics (formerly Invitae), Labcorp); PubMed 30287823 (cited by Color Diagnostics, LLC DBA Color Health); PubMed 31214711 (cited by Color Diagnostics, LLC DBA Color Health); PubMed 32980694 (cited by Color Diagnostics, LLC DBA Color Health); PubMed 33278427 (cited by Color Diagnostics, LLC DBA Color Health and Labcorp Genetics (formerly Invitae), Labcorp); PubMed 35659930 (cited by Color Diagnostics, LLC DBA Color Health).

NM_007294.4(BRCA1):c.31G>C (p.Val11Leu)

Gene: BRCA1 (BRCA1 DNA repair associated; minus strand). Cytogenetic location: 17q21.31.
Variant type: single nucleotide variant.
Coding change: c.31G>C on transcript NM_007294.4 (MANE Select); coding-DNA position 31, G replaced by C.
Protein change: p.Val11Leu; replaces valine 11 with leucine.
Molecular consequence: missense variant. On other transcripts: 5 prime UTR variant (1), non-coding transcript variant (1).
Genome position (GRCh38, 1-based): chr17:43,124,066, C>G on the plus strand (G>C on the coding strand, the complement: BRCA1 is on the minus strand). VCF-style: chr17-43124066-C-G. GRCh37 (hg19) VCF-style: chr17-41276083-C-G.
Other names: c.-158G>C (NM_001407571.1, NM_001407853.1, NM_001407879.1 and 46 more transcripts); c.31G>C, p.Val11Leu (NM_001407581.1, NM_001407582.1, NM_001407583.1 and 193 more transcripts); c.-227G>C (NM_001407694.1, NM_001407724.1, NM_001407727.1 and 11 more transcripts); c.-231G>C (NM_001407695.1, NM_001408465.1); c.-372G>C (NM_001407696.1); c.-256G>C (NM_001407697.1, NM_001407846.1, NM_001407920.1); c.-57G>C (NM_001407698.1, NM_001407732.1, NM_001407736.1 and 23 more transcripts); c.-230G>C (NM_001407725.1, NM_001407730.1, NM_001407734.1 and 22 more transcripts); and 8 more; short protein forms V11L.
Identifiers: ClinVar variation 438922 (VCV000438922.17), dbSNP rs1555601019, ClinGen allele CA10602098.